The following is an entry in ClinVar:

NM_001909.5(CTSD):c.639C>T (p.Pro213=)

Gene: CTSD (cathepsin D; minus strand). Cytogenetic location: 11p15.5.
Variant type: single nucleotide variant.
Coding change: c.639C>T on transcript NM_001909.5 (MANE Select); coding-DNA position 639, C replaced by T.
Protein change: p.Pro213=; no amino-acid change (proline 213 retained).
Molecular consequence: synonymous variant.
Genome position (GRCh38, 1-based): chr11:1,757,389, G>A on the plus strand (C>T on the coding strand, the complement: CTSD is on the minus strand). VCF-style: chr11-1757389-G-A. GRCh37 (hg19) VCF-style: chr11-1778619-G-A.
Other names: c.639C>T (NM_001909.4).
Identifiers: ClinVar variation 1119632 (VCV001119632.12), dbSNP rs146073498, ClinGen allele CA5814121.
Genomic context (GRCh38, chr11:1,757,389, plus strand): 5'-CAGGTAGAAGGAGAAGATGTTCTGGTCCACCAGCTTCTGCTGCATCAGGTTGTCGAAGAC[G>A]GGCAGCACGTTGTTGACGGAGATGCGGGGGTAGGCCATGCCCAGGATGCCATCGAACTTG-3'
Protein context (NP_001900.1, residues 203-223): YPRISVNNVL[Pro213=]VFDNLMQQKL

ClinVar aggregate classification (germline): Likely benign. Review status: criteria provided, multiple submitters, no conflicts (2 of 4 stars). 3 submissions from 3 submitters: Likely benign (2). 1 of the submissions does not count toward it. Last evaluated 2026-01-24.

Conditions:
CTSD-related disorder. Also called: CTSD-related condition.
Neuronal ceroid lipofuscinosis. Also called: Neuronal Ceroid Lipofuscinoses. Identifiers: Orphanet 216, Orphanet 79263, MedGen C0027877, MONDO:0016295. Disease mechanism: loss of function.

gnomAD v4.1: 44 of 1,614,056 alleles (0.0027%); highest among the groups gnomAD compares: East Asian, 0.029%; no homozygotes.

Submissions (3):

Labcorp Genetics (formerly Invitae), Labcorp
Classification: Likely benign for Neuronal ceroid lipofuscinosis. Last evaluated: 2026-01-24. Review status: criteria provided, single submitter. Criteria: Invitae Variant Classification Sherloc (09022015). Collection method: clinical testing. Allele origin: germline.

Blueprint Genetics
Classification: Likely benign. Last evaluated: 2024-08-22. Review status: criteria provided, single submitter. Criteria: ACMG Guidelines, 2015. Collection method: clinical testing. Allele origin: germline.

PreventionGenetics, part of Exact Sciences
Classification: Likely benign for CTSD-related condition. Last evaluated: 2019-09-19. Review status: no assertion criteria provided. Collection method: clinical testing. Allele origin: germline. Not counted in ClinVar's aggregate classification.
Comment: This variant is classified as likely benign based on ACMG/AMP sequence variant interpretation guidelines (Richards et al. 2015 PMID: 25741868, with internal and published modifications).